The following is an entry in ClinVar:

NM_001194998.2(CEP152):c.695_696del (p.Ser232fs)

Gene: CEP152 (centrosomal protein 152; minus strand). Cytogenetic location: 15q21.1.
Variant type: Microsatellite.
Coding change: c.695_696del on transcript NM_001194998.2 (MANE Select); coding-DNA positions 695 to 696, 2 bases deleted (CT; older notation c.695_696delCT).
Protein change: p.Ser232fs; shifts the reading frame from serine 232.
Molecular consequence: frameshift variant.
Genome position (GRCh38, 1-based): chr15:48,793,457-48,793,458, AG deleted on the plus strand (CT on the coding strand, the reverse complement: CEP152 is on the minus strand); deleting any 2 consecutive bases within chr15:48,793,457-48,793,460 gives the same sequence; the c. name uses the placement nearest the transcript's 3' end. VCF-style (leftmost placement, unchanged base first): chr15-48793456-CAG-C. GRCh37 (hg19) VCF-style: chr15-49085653-CAG-C.
Other names: c.695_696del, p.Ser232fs (NM_014985.4); short protein forms S232fs.
Identifiers: ClinVar variation 419487 (VCV000419487.2), dbSNP rs1064793906, ClinGen allele CA16619980.

ClinVar aggregate classification (germline): Pathogenic (1 of 4 stars; one submission).

Submission:

GeneDx
Classification: Pathogenic. Last evaluated: 2015-08-03. Review status: criteria provided, single submitter. Criteria: GeneDx Variant Classification (06012015). Collection method: clinical testing. Allele origin: germline. Affected: yes.
Comment: The c.695_696delCT deletion is predicted to cause loss of normal proteinfunction either through protein truncation or nonsense-mediated mRNA decay. Therefore,c.695_696delCT is considered a pathogenic variant.